The following is an entry in ClinVar:

ClinVar aggregate classification (germline): Uncertain significance (1 of 4 stars; one submission).

Submission:

GeneDx
Classification: Uncertain significance. Last evaluated: 2022-11-15. Review status: criteria provided, single submitter. Criteria: GeneDx Variant Classification Process June 2021. Collection method: clinical testing. Allele origin: germline. Affected: yes.
Comment: Not observed at significant frequency in large population cohorts (gnomAD); In silico analysis supports that this missense variant has a deleterious effect on protein structure/function; Has not been previously published as pathogenic or benign to our knowledge

NM_006941.4(SOX10):c.40C>G (p.Pro14Ala)

Genes: POLR2F (RNA polymerase II, I and III subunit F; plus strand), SOX10 (SRY-box transcription factor 10; minus strand). Cytogenetic location: 22q13.1.
Variant type: single nucleotide variant.
Coding change: c.40C>G on transcript NM_006941.4 (MANE Select); coding-DNA position 40, C replaced by G.
Protein change: p.Pro14Ala; replaces proline 14 with alanine.
Molecular consequence: missense variant. On other transcripts: intron variant (3).
Genome position (GRCh38, 1-based): chr22:37,983,745, G>C on the plus strand (C>G on the coding strand, the complement: SOX10 is on the minus strand). VCF-style: chr22-37983745-G-C. GRCh37 (hg19) VCF-style: chr22-38379752-G-C.
Other names: c.*38+11435G>C (NM_001363825.1); c.294-2409G>C (NM_001301130.2); c.293+16575G>C (NM_001301131.2); short protein forms P14A.
Identifiers: ClinVar variation 2502122 (VCV002502122.1), dbSNP rs2518053010, ClinGen allele CA411502347.